The following is an entry in ClinVar:

NM_001034853.2(RPGR):c.1573-1G>A

Gene: RPGR (retinitis pigmentosa GTPase regulator; minus strand). Cytogenetic location: Xp11.4.
Variant type: single nucleotide variant.
Coding change: c.1573-1G>A on transcript NM_001034853.2 (MANE Select); the canonical splice acceptor site of the intron before coding-DNA position 1573, G replaced by A.
Molecular consequence: splice acceptor variant. On other transcripts: intron variant (5).
Genome position (GRCh38, 1-based): chrX:38,288,042, C>T on the plus strand (G>A on the coding strand, the complement: RPGR is on the minus strand). VCF-style: chrX-38288042-C-T. GRCh37 (hg19) VCF-style: chrX-38147295-C-T.
Other names: c.1569+2917G>A (NM_001367249.1, NM_001367250.1); c.1570-1G>A (NM_001367245.1); c.1386+2917G>A (NM_001367251.1); c.1387-1G>A (NM_001367246.1); c.1572+2917G>A (NM_001367247.1); c.1573-1G>A (NM_000328.3); c.1602+2917G>A (NM_001367248.1).
Identifiers: ClinVar variation 98748 (VCV000098748.8), dbSNP rs62635010, ClinGen allele CA226370.

ClinVar aggregate classification (germline): Pathogenic. Review status: reviewed by expert panel (3 of 4 stars). 4 submissions from 4 submitters: Pathogenic (1). 3 of the submissions do not count toward it. Last evaluated 2026-01-25.

Conditions:
RPGR-related retinopathy. Also called: RPGR retinopathy. Identifiers: MedGen CN305589, MONDO:0100437.
RPGR-related disorder. Also called: RPGR-related condition.
Primary ciliary dyskinesia. Also called: Ciliary dyskinesia. Identifiers: Orphanet 244, MedGen C0008780, MONDO:0016575, HP:0012265.

Submissions (4):

ClinGen X-linked Inherited Retinal Disease Variant Curation Expert Panel, ClinGen
Classification: Pathogenic for RPGR-related retinopathy. Last evaluated: 2026-01-25. Review status: reviewed by expert panel. Criteria: ClinGen X LinkedIRD ACMG Specifications RPGR V1.0.0. Collection method: curation. Allele origin: germline. Inheritance: X-linked inheritance.
Comment: NM_001034853.2(RPGR):c.1573-1G>A is a canonical splice site variant in intron 13 that is predicted to disrupt the reading frame by skipping exon 14, which would disrupt the ORF15 region that has been established as critical to RPGR function (PVS1). This variant is absent from gnomAD v4.1.0 (PM2_Supporting). At least one proband harboring this variant exhibits a phenotype including a family history consistent with X-linked inheritance (2 pts), second decade onset (1 pt), rod involvement greater than cone (1 pt), myopia (0.5 pts), reduced visual acuity (0.5 pts), and visual field constriction (0.5 pts), which together are specific for RPGR-related retinopathy (PMID: 10937588, 5.5 points, PP4). However, the PS2 requirement of some functional vision impairment in affected males by age 30, with decreased or absent cone and/or rod ERG responses was not met (PMID: 30902645). In summary, this variant is classified as pathogenic for RPGR-related retinopathy based on the ClinGen X-linked Inherited Retinal Disease Expert Panel Specifications to the ACMG/AMP Variant Interpretation Guidelines for RPGR Version 1.0.0; PVS1, PM2_Supporting, and PP4.

Labcorp Genetics (formerly Invitae), Labcorp
Classification: Pathogenic for Primary ciliary dyskinesia. Last evaluated: 2024-11-11. Review status: criteria provided, single submitter. Criteria: Invitae Variant Classification Sherloc (09022015). Collection method: clinical testing. Allele origin: germline. Not counted in ClinVar's aggregate classification.
Comment: This sequence change affects an acceptor splice site in intron 13 of the RPGR gene. It is expected to disrupt RNA splicing. Variants that disrupt the donor or acceptor splice site typically lead to a loss of protein function (PMID: 16199547), and loss-of-function variants in RPGR are known to be pathogenic (PMID: 16055928, 16969763). This variant is not present in population databases (gnomAD no frequency). Disruption of this splice site has been observed in individuals with X-linked retinitis pigmentosa (PMID: 10482958, 10937588, 31630094). This variant is also known as IVS13-1G>A. ClinVar contains an entry for this variant (Variation ID: 98748). Algorithms developed to predict the effect of sequence changes on RNA splicing suggest that this variant may disrupt the consensus splice site. For these reasons, this variant has been classified as Pathogenic.

Blueprint Genetics
Classification: Pathogenic for RPGR-related disorders. Last evaluated: 2021-12-14. Review status: criteria provided, single submitter. Criteria: ACMG Guidelines, 2015. Collection method: clinical testing. Allele origin: germline. Affected: yes. Observed: 2 variant alleles. Not counted in ClinVar's aggregate classification.

Retina International
No classification provided. Review status: no classification provided. Collection method: not provided. Allele origin: not provided. Not counted in ClinVar's aggregate classification.

Literature cited by the submitters: PubMed 16199547 (cited by Labcorp Genetics (formerly Invitae), Labcorp); PubMed 16055928 (cited by Labcorp Genetics (formerly Invitae), Labcorp); PubMed 16969763 (cited by Labcorp Genetics (formerly Invitae), Labcorp); PubMed 10482958 (cited by Labcorp Genetics (formerly Invitae), Labcorp); PubMed 10937588 (cited by Labcorp Genetics (formerly Invitae), Labcorp); PubMed 31630094 (cited by Labcorp Genetics (formerly Invitae), Labcorp).